The following is an entry in ClinVar:

ClinVar aggregate classification (germline): Uncertain significance (1 of 4 stars; one submission).

Conditions:
Mucopolysaccharidosis type 7 (MPS7). Also called: SLY SYNDROME; BETA-GLUCURONIDASE DEFICIENCY; GUSB DEFICIENCY; MPS VII. Identifiers: Orphanet 584, MedGen C0085132, MONDO:0009662, OMIM 253220.

Allele frequency attached by ClinVar (database versions not stated): TOPMed 0.00001; gnomAD 0.00002.
gnomAD v4.1: 20 of 1,613,862 alleles (0.0012%); highest among the groups gnomAD compares: Non-Finnish European, 0.0016%; no homozygotes.

Submission:

Labcorp Genetics (formerly Invitae), Labcorp
Classification: Uncertain significance for Mucopolysaccharidosis type 7. Last evaluated: 2021-08-24. Review status: criteria provided, single submitter. Criteria: Invitae Variant Classification Sherloc (09022015). Collection method: clinical testing. Allele origin: germline.
Comment: This sequence change replaces serine with arginine at codon 648 of the GUSB protein (p.Ser648Arg). The serine residue is weakly conserved and there is a moderate physicochemical difference between serine and arginine. This variant is present in population databases (rs776024156, ExAC 0.003%). This variant has not been reported in the literature in individuals affected with GUSB-related conditions. Algorithms developed to predict the effect of missense changes on protein structure and function output the following: SIFT: "Tolerated"; PolyPhen-2: "Benign"; Align-GVGD: "Class C0". The arginine amino acid residue is found in multiple mammalian species, which suggests that this missense change does not adversely affect protein function. In summary, the available evidence is currently insufficient to determine the role of this variant in disease. Therefore, it has been classified as a Variant of Uncertain Significance.

NM_000181.4(GUSB):c.1942A>C (p.Ser648Arg)

Gene: GUSB (glucuronidase beta; minus strand). Cytogenetic location: 7q11.21.
Variant type: single nucleotide variant.
Coding change: c.1942A>C on transcript NM_000181.4 (MANE Select); coding-DNA position 1942, A replaced by C.
Protein change: p.Ser648Arg; replaces serine 648 with arginine.
Molecular consequence: missense variant. On other transcripts: non-coding transcript variant (1).
Genome position (GRCh38, 1-based): chr7:65,960,911, T>G on the plus strand (A>C on the coding strand, the complement: GUSB is on the minus strand). VCF-style: chr7-65960911-T-G. GRCh37 (hg19) VCF-style: chr7-65425898-T-G.
Other names: c.1504A>C, p.Ser502Arg (NM_001284290.2); c.1372A>C, p.Ser458Arg (NM_001293104.2); c.1285A>C, p.Ser429Arg (NM_001293105.2); short protein forms S458R, S429R, S502R, S648R.
Identifiers: ClinVar variation 660494 (VCV000660494.6), dbSNP rs776024156, ClinGen allele CA4276137.
Genomic context (GRCh38, chr7:65,960,911, plus strand): 5'-GCCCTGACTCGGGGAGGAAGGGACACGCAGGTGGTATCAGTCTTGCTCAAGTAAACAGGC[T>G]GTTTTCCAAACATTGTGACTTGGCTACTGAGTGGGGATACCTGGTTTCATTGGCAATCTT-3'
Protein context (NP_000172.2, residues 638-651): SVAKSQCLEN[Ser648Arg]LFT